The following is an entry in ClinVar:

NM_005215.4(DCC):c.2551C>T (p.Gln851Ter)

Gene: DCC (DCC netrin 1 receptor; plus strand). Cytogenetic location: 18q21.2.
Variant type: single nucleotide variant.
Coding change: c.2551C>T on transcript NM_005215.4 (MANE Select); coding-DNA position 2551, C replaced by T.
Protein change: p.Gln851Ter; replaces glutamine 851 with a stop codon.
Molecular consequence: nonsense.
Genome position (GRCh38, 1-based): chr18:53,391,750, C>T. VCF-style: chr18-53391750-C-T. GRCh37 (hg19) VCF-style: chr18-50918120-C-T.
Other names: short protein forms Q851*.
Identifiers: ClinVar variation 2692449 (VCV002692449.1), dbSNP rs2511369243, ClinGen allele CA402471971.

ClinVar aggregate classification (germline): Likely pathogenic (1 of 4 stars; one submission).

Conditions:
Mirror movements 1 (MRMV1). Identifiers: Orphanet 238722, MedGen C1834870, OMIM 157600, MONDO:0008002.

Submission:

Greenwood Genetic Center Diagnostic Laboratories, Greenwood Genetic Center
Classification: Likely pathogenic for Mirror movements 1. Last evaluated: 2023-11-08. Review status: criteria provided, single submitter. Criteria: ACMG Guidelines, 2015. Collection method: clinical testing. Allele origin: germline. Affected: yes.
Comment: PVS1, PM2